The following is an entry in ClinVar:

NM_006612.6(KIF1C):c.1261G>C (p.Gly421Arg)

Gene: KIF1C (kinesin family member 1C; plus strand). Cytogenetic location: 17p13.2.
Variant type: single nucleotide variant.
Coding change: c.1261G>C on transcript NM_006612.6 (MANE Select); coding-DNA position 1261, G replaced by C.
Protein change: p.Gly421Arg; replaces glycine 421 with arginine.
Molecular consequence: missense variant.
Genome position (GRCh38, 1-based): chr17:5,007,010, G>C. VCF-style: chr17-5007010-G-C. GRCh37 (hg19) VCF-style: chr17-4910305-G-C.
Other names: short protein forms G421R.
Identifiers: ClinVar variation 999483 (VCV000999483.6), dbSNP rs1259655283, ClinGen allele CA397349081.

ClinVar aggregate classification (germline): Uncertain significance (1 of 4 stars; one submission).

Conditions:
Spastic ataxia 2. Also called: Ataxia, spastic, 2, autosomal recessive. Identifiers: Orphanet 397946, MedGen C1969796, MONDO:0012651, OMIM 611302.

Allele frequency attached by ClinVar (database versions not stated): gnomAD exomes below 0.00001 and 0.00001; TOPMed 0.00002; gnomAD 0.00003.
gnomAD v4.1: 10 of 1,611,022 alleles (0.00062%); highest among the groups gnomAD compares: African/African-American, 0.0013%; no homozygotes.

Submission:

Labcorp Genetics (formerly Invitae), Labcorp
Classification: Uncertain significance for Spastic ataxia 2. Last evaluated: 2022-01-24. Review status: criteria provided, single submitter. Criteria: Invitae Variant Classification Sherloc (09022015). Collection method: clinical testing. Allele origin: germline.
Comment: In summary, the available evidence is currently insufficient to determine the role of this variant in disease. Therefore, it has been classified as a Variant of Uncertain Significance. Algorithms developed to predict the effect of missense changes on protein structure and function (SIFT, PolyPhen-2, Align-GVGD) all suggest that this variant is likely to be disruptive. ClinVar contains an entry for this variant (Variation ID: 999483). This variant has not been reported in the literature in individuals affected with KIF1C-related conditions. The frequency data for this variant in the population databases is considered unreliable, as metrics indicate poor data quality at this position in the gnomAD database. This sequence change replaces glycine, which is neutral and non-polar, with arginine, which is basic and polar, at codon 421 of the KIF1C protein (p.Gly421Arg).